The following is an entry in ClinVar:

NM_006506.5(RASA2):c.1885C>T (p.Arg629Ter)

Gene: RASA2 (RAS p21 protein activator 2; plus strand). Cytogenetic location: 3q23.
Variant type: single nucleotide variant.
Coding change: c.1885C>T on transcript NM_006506.5 (MANE Select); coding-DNA position 1885, C replaced by T.
Protein change: p.Arg629Ter; replaces arginine 629 with a stop codon.
Molecular consequence: nonsense.
Genome position (GRCh38, 1-based): chr3:141,586,704, C>T. VCF-style: chr3-141586704-C-T. GRCh37 (hg19) VCF-style: chr3-141305546-C-T.
Other names: c.1885C>T, p.Arg629Ter (NM_001303245.3, NM_001303246.3); short protein forms R629*.
Identifiers: ClinVar variation 3631298 (VCV003631298.3).

ClinVar aggregate classification (germline): Uncertain significance. Review status: criteria provided, multiple submitters, no conflicts (2 of 4 stars). 2 submissions from 2 submitters: Uncertain significance (2). Last evaluated 2024-10-15.

gnomAD v4.1: 29 of 1,613,456 alleles (0.0018%); highest among the groups gnomAD compares: African/African-American, 0.0053%; no homozygotes.

Submissions (2):

Labcorp Genetics (formerly Invitae), Labcorp
Classification: Uncertain significance. Last evaluated: 2024-10-15. Review status: criteria provided, single submitter. Criteria: Invitae Variant Classification Sherloc (09022015). Collection method: clinical testing. Allele origin: germline.
Comment: This sequence change creates a premature translational stop signal (p.Arg629*) in the RASA2 gene. It is expected to result in an absent or disrupted protein product. However, the current clinical and genetic evidence is not sufficient to establish whether loss-of-function variants in RASA2 cause disease. This variant is present in population databases (rs763528237, gnomAD 0.0008%). This variant has not been reported in the literature in individuals affected with RASA2-related conditions. In summary, the available evidence is currently insufficient to determine the role of this variant in disease. Therefore, it has been classified as a Variant of Uncertain Significance.

Blueprint Genetics
Classification: Uncertain significance. Last evaluated: 2023-06-02. Review status: criteria provided, single submitter. Criteria: ACMG Guidelines, 2015. Collection method: clinical testing. Allele origin: germline.